The following is an entry in ClinVar:

NM_024915.4(GRHL2):c.635C>T (p.Pro212Leu)

Gene: GRHL2 (grainyhead like transcription factor 2; plus strand). Cytogenetic location: 8q22.3.
Variant type: single nucleotide variant.
Coding change: c.635C>T on transcript NM_024915.4 (MANE Select); coding-DNA position 635, C replaced by T.
Protein change: p.Pro212Leu; replaces proline 212 with leucine.
Molecular consequence: missense variant.
Genome position (GRCh38, 1-based): chr8:101,558,769, C>T. VCF-style: chr8-101558769-C-T. GRCh37 (hg19) VCF-style: chr8-102570997-C-T.
Other names: c.587C>T, p.Pro196Leu (NM_001330593.2, NM_001440448.1); c.635C>T, p.Pro212Leu (NM_001440447.1); short protein forms P196L, P212L.
Identifiers: ClinVar variation 4985578 (VCV004985578.1).

ClinVar aggregate classification (germline): Uncertain significance (1 of 4 stars; one submission).

Conditions:
GRHL2-related disorder. Also called: GRHL2-related disorders; GRHL2-related condition.

gnomAD v4.1: 6 of 1,613,994 alleles (0.00037%); highest among the groups gnomAD compares: African/African-American, 0.0013%; no homozygotes.

Submission:

PreventionGenetics, part of Exact Sciences
Classification: Uncertain significance for GRHL2-related condition. Last evaluated: 2026-05-06. Review status: criteria provided, single submitter. Criteria: ACMG Guidelines, 2015. Collection method: clinical testing. Allele origin: germline.
Comment: The GRHL2 c.635C>T variant is predicted to result in the amino acid substitution p.Pro212Leu. To our knowledge, this variant has not been reported in the literature or in a large population database (gnomAD), indicating this variant is rare. At this time, the clinical significance of this variant is uncertain due to the absence of conclusive functional and genetic evidence.